The following is an entry in ClinVar:

NM_000551.4(VHL):c.464T>C (p.Val155Ala)

Genes: VHL (von Hippel-Lindau tumor suppressor; plus strand), LOC107303340 (3p25 von Hippel-Lindau tumor suppressor, E3 ubiquitin protein ligase Alu-mediated recombination region; plus strand). Cytogenetic location: 3p25.3.
Variant type: single nucleotide variant.
Coding change: c.464T>C on transcript NM_000551.4 (MANE Select); coding-DNA position 464, T replaced by C.
Protein change: p.Val155Ala; replaces valine 155 with alanine.
Molecular consequence: missense variant. On other transcripts: 3 prime UTR variant (1).
Genome position (GRCh38, 1-based): chr3:10,149,787, T>C. VCF-style: chr3-10149787-T-C. GRCh37 (hg19) VCF-style: chr3-10191471-T-C.
Other names: c.*18T>C (NM_001354723.2); c.341T>C, p.Val114Ala (NM_198156.3); short protein forms V114A, V155A.
Identifiers: ClinVar variation 1712100 (VCV001712100.5), dbSNP rs2125130449, ClinGen allele CA351756034.
Genomic context (GRCh38, chr3:10,149,787, plus strand): 5'-GTTCGTTCCTTGTACTGAGACCCTAGTCTGCCACTGAGGATTTGGTTTTTGCCCTTCCAG[T>C]GTATACTCTGAAAGAGCGATGCCTCCAGGTTGTCCGGAGCCTAGTCAAGCCTGAGAATTA-3'
Protein context (NP_000542.1, residues 145-165): QPIFANITLP[Val155Ala]YTLKERCLQV

ClinVar aggregate classification (germline): Uncertain significance. Review status: criteria provided, multiple submitters, no conflicts (2 of 4 stars). 3 submissions from 3 submitters: Uncertain significance (3). Last evaluated 2026-01-20.

Conditions:
Hereditary cancer-predisposing syndrome. Also called: Tumor predisposition; Hereditary Cancer Syndrome; Hereditary neoplastic syndrome; Neoplastic Syndromes, Hereditary. Identifiers: Orphanet 140162, MedGen C0027672, MeSH D009386, MONDO:0015356.
Chuvash polycythemia. Also called: POLYCYTHEMIA, VHL-DEPENDENT. Identifiers: Orphanet 238557, MedGen C1837915, MONDO:0009892, OMIM 263400.
Von Hippel-Lindau syndrome (VHLS). Also called: Von Hippel-Lindau; VHL syndrome; von Hippel–Lindau syndrome. Identifiers: Orphanet 892, MedGen C0019562, MONDO:0008667, OMIM 193300. Disease mechanism: loss of function.

Allele frequency attached by ClinVar (database versions not stated): gnomAD exomes below 0.00001.
gnomAD v4.1: 2 of 1,613,954 alleles (0.00012%); highest among the groups gnomAD compares: South Asian, 0.0011%; no homozygotes.

Submissions (3):

Ambry Genetics
Classification: Uncertain significance for Hereditary cancer-predisposing syndrome. Last evaluated: 2026-01-20. Review status: criteria provided, single submitter. Criteria: Ambry Variant Classification Scheme 2023. Collection method: clinical testing. Allele origin: germline.
Comment: The p.V155A variant (also known as c.464T>C) is located in coding exon 3 of the VHL gene. The valine at codon 155 is replaced by alanine, an amino acid with similar properties. This change occurs in the first base pair of coding exon 3. This variant was determined to be functionally deleterious in one saturation genome editing assay (Buckley M et al. Nat Genet, 2024 Jul;56:1446-1455). This amino acid position is highly conserved in available vertebrate species. In addition, this alteration is predicted to be deleterious by in silico analysis. Based on the available evidence, the clinical significance of this variant remains unclear.

Labcorp Genetics (formerly Invitae), Labcorp
Classification: Uncertain significance for Von Hippel-Lindau syndrome; Chuvash polycythemia. Last evaluated: 2025-07-05. Review status: criteria provided, single submitter. Criteria: Invitae Variant Classification Sherloc (09022015). Collection method: clinical testing. Allele origin: germline.
Comment: This sequence change replaces valine, which is neutral and non-polar, with alanine, which is neutral and non-polar, at codon 155 of the VHL protein (p.Val155Ala). This variant is not present in population databases (gnomAD no frequency). This variant has not been reported in the literature in individuals affected with VHL-related conditions. ClinVar contains an entry for this variant (Variation ID: 1712100). An algorithm developed to predict the effect of missense changes on protein structure and function (PolyPhen-2) suggests that this variant is likely to be disruptive. Experimental studies have shown that this missense change affects VHL function (PMID: 26503325). This variant disrupts the p.Val155 amino acid residue in VHL. Other variant(s) that disrupt this residue have been determined to be pathogenic (PMID: 21463266, 25952756; internal data). This suggests that this residue is clinically significant, and that variants that disrupt this residue are likely to be disease-causing. In summary, the available evidence is currently insufficient to determine the role of this variant in disease. Therefore, it has been classified as a Variant of Uncertain Significance.

GeneDx
Classification: Uncertain significance. Last evaluated: 2022-04-21. Review status: criteria provided, single submitter. Criteria: GeneDx Variant Classification Process June 2021. Collection method: clinical testing. Allele origin: germline. Affected: yes.
Comment: Not observed at significant frequency in large population cohorts (gnomAD); In silico analysis supports that this missense variant has a deleterious effect on protein structure/function; Published functional studies demonstrate reduced protein stability and increased expression of Glut-1 and VEGF in vitro compared to wildtype, however ability to ubiquitinate HIF-1a is retained (Park 2015); This variant is associated with the following publications: (PMID: 35388293, 10900011, 26503325)

Literature cited by the submitters: PubMed 38969834 (cited by Ambry Genetics); PubMed 26503325 (cited by Labcorp Genetics (formerly Invitae), Labcorp); PubMed 21463266 (cited by Labcorp Genetics (formerly Invitae), Labcorp); PubMed 25952756 (cited by Labcorp Genetics (formerly Invitae), Labcorp).